The following is an entry in ClinVar:

NM_002432.3(MNDA):c.374A>C (p.Glu125Ala)

Gene: MNDA (myeloid cell nuclear differentiation antigen; plus strand). Cytogenetic location: 1q23.1.
Variant type: single nucleotide variant.
Coding change: c.374A>C on transcript NM_002432.3 (MANE Select); coding-DNA position 374, A replaced by C.
Protein change: p.Glu125Ala; replaces glutamic acid 125 with alanine.
Molecular consequence: missense variant.
Genome position (GRCh38, 1-based): chr1:158,843,387, A>C. VCF-style: chr1-158843387-A-C. GRCh37 (hg19) VCF-style: chr1-158813177-A-C.
Other names: short protein forms E125A.
Identifiers: ClinVar variation 1734533 (VCV001734533.2), dbSNP rs759064821, ClinGen allele CA1185568.

ClinVar aggregate classification (germline): Uncertain significance (1 of 4 stars; one submission).

Allele frequency attached by ClinVar (database versions not stated): gnomAD exomes below 0.00001; TOPMed below 0.00001; ExAC 0.00001; gnomAD 0.00001.
gnomAD v4.1: 2 of 1,611,206 alleles (0.00012%); highest among the groups gnomAD compares: African/African-American, 0.0027%; no homozygotes.

Submission:

Ambry Genetics
Classification: Uncertain significance. Last evaluated: 2023-10-21. Review status: criteria provided, single submitter. Criteria: Ambry Variant Classification Scheme 2023. Collection method: clinical testing. Allele origin: germline.
Comment: The p.E125A variant (also known as c.374A>C), located in coding exon 2 of the MNDA gene, results from an A to C substitution at nucleotide position 374. The glutamic acid at codon 125 is replaced by alanine, an amino acid with dissimilar properties. This amino acid position is conserved. In addition, this alteration is predicted to be tolerated by in silico analysis. Since supporting evidence is limited at this time, the clinical significance of this alteration remains unclear.